The following is an entry in ClinVar:

NM_016188.5(ACTL6B):c.359C>T (p.Ser120Phe)

Gene: ACTL6B (actin like 6B; minus strand). Cytogenetic location: 7q22.1.
Variant type: single nucleotide variant.
Coding change: c.359C>T on transcript NM_016188.5 (MANE Select); coding-DNA position 359, C replaced by T.
Protein change: p.Ser120Phe; replaces serine 120 with phenylalanine.
Molecular consequence: missense variant. On other transcripts: non-coding transcript variant (1).
Genome position (GRCh38, 1-based): chr7:100,655,029, G>A on the plus strand (C>T on the coding strand, the complement: ACTL6B is on the minus strand). VCF-style: chr7-100655029-G-A. GRCh37 (hg19) VCF-style: chr7-100252652-G-A.
Other names: short protein forms S120F.
Identifiers: ClinVar variation 3391611 (VCV003391611.1).

ClinVar aggregate classification (germline): Uncertain significance (1 of 4 stars; one submission).

gnomAD v4.1: 1 of 1,613,880 alleles (0.000062%); highest among the groups gnomAD compares: Non-Finnish European, 0.000085%; no homozygotes.

Submission:

GeneDx
Classification: Uncertain significance. Last evaluated: 2024-06-20. Review status: criteria provided, single submitter. Criteria: GeneDx Variant Classification Process June 2021. Collection method: clinical testing. Allele origin: germline. Affected: yes.
Comment: Not observed at significant frequency in large population cohorts (gnomAD); In silico analysis supports that this missense variant has a deleterious effect on protein structure/function; Has not been previously published as pathogenic or benign to our knowledge